The following is an entry in ClinVar:

NM_016734.3(PAX5):c.1153G>T (p.Ala385Ser)

Gene: PAX5 (paired box 5; minus strand). Cytogenetic location: 9p13.2.
Variant type: single nucleotide variant.
Coding change: c.1153G>T on transcript NM_016734.3 (MANE Select); coding-DNA position 1153, G replaced by T.
Protein change: p.Ala385Ser; replaces alanine 385 with serine.
Molecular consequence: missense variant. On other transcripts: synonymous variant (2), non-coding transcript variant (2).
Genome position (GRCh38, 1-based): chr9:36,840,583, C>A on the plus strand (G>T on the coding strand, the complement: PAX5 is on the minus strand). VCF-style: chr9-36840583-C-A. GRCh37 (hg19) VCF-style: chr9-36840580-C-A.
Other names: c.1051G>T, p.Ala351Ser (NM_001280547.2); c.1066G>T, p.Ala356Ser (NM_001280548.2); c.921G>T, p.Pro307= (NM_001280549.2); c.834G>T, p.Pro278= (NM_001280550.2); c.640G>T, p.Ala214Ser (NM_001280551.2); c.964G>T, p.Ala322Ser (NM_001280552.2); c.937G>T, p.Ala313Ser (NM_001280553.2); c.1024G>T, p.Ala342Ser (NM_001280554.2); and 2 more; short protein forms A277S, A342S, A356S, A322S, A285S, A214S, A313S, A351S.
Identifiers: ClinVar variation 4626955 (VCV004626955.1).
Genomic context (GRCh38, chr9:36,840,583, plus strand): 5'-GTGCCATCAGTGTTTGGTGCCCGCCTGGCTCCAAGGGTCAGTGACGGTCATAGGCAGTGG[C>A]GGCTGCAGGTGGGGCGGCTCCTCGGGCGGCAGCGCTATAATAGTAGGGGGAGCCTGGAAG-3'
Protein context (NP_057953.1, residues 375-391): AARGAAPPAA[Ala385Ser]TAYDRH

ClinVar aggregate classification (germline): Uncertain significance (1 of 4 stars; one submission).

Conditions:
Inborn genetic diseases. Identifiers: MedGen C0950123, MeSH D030342.

Submission:

Ambry Genetics
Classification: Uncertain significance for Inborn genetic diseases. Last evaluated: 2025-11-02. Review status: criteria provided, single submitter. Criteria: Ambry Variant Classification Scheme 2023. Collection method: clinical testing. Allele origin: germline.
Comment: The p.A385S variant (also known as c.1153G>T), located in coding exon 10 of the PAX5 gene, results from a G to T substitution at nucleotide position 1153. The alanine at codon 385 is replaced by serine, an amino acid with similar properties. This amino acid position is conserved. In addition, the in silico prediction for this alteration is inconclusive. Based on the available evidence, the clinical significance of this variant remains unclear.